The following is an entry in ClinVar:

ClinVar aggregate classification (germline): Likely benign. Review status: criteria provided, multiple submitters, no conflicts (2 of 4 stars). 4 submissions from 4 submitters: Likely benign (4). Last evaluated 2025-05-13.

Conditions:
Familial cancer of breast. Also called: hereditary breast carcinoma; BREAST CANCER, FAMILIAL; Hereditary breast cancer. Identifiers: Orphanet 227535, MedGen C0346153, MONDO:0016419, OMIM 114480. Disease mechanism: loss of function.
Hereditary cancer-predisposing syndrome. Also called: Tumor predisposition; Neoplastic Syndromes, Hereditary; Hereditary Cancer Syndrome; Hereditary neoplastic syndrome. Identifiers: Orphanet 140162, MedGen C0027672, MeSH D009386, MONDO:0015356.

Allele frequency attached by ClinVar (database versions not stated): gnomAD exomes 0.00001.
gnomAD v4.1: 8 of 1,612,344 alleles (0.0005%); highest among the groups gnomAD compares: Non-Finnish European, 0.00059%; no homozygotes.

Submissions (4):

Labcorp Genetics (formerly Invitae), Labcorp
Classification: Likely benign for Familial cancer of breast. Last evaluated: 2025-05-13. Review status: criteria provided, single submitter. Criteria: Invitae Variant Classification Sherloc (09022015). Collection method: clinical testing. Allele origin: germline.

Color Diagnostics, LLC DBA Color Health
Classification: Likely benign for Hereditary cancer-predisposing syndrome. Last evaluated: 2025-04-28. Review status: criteria provided, single submitter. Criteria: ACMG Guidelines, 2015. Collection method: clinical testing. Allele origin: germline.

Women's Health and Genetics/Laboratory Corporation of America, LabCorp
Classification: Likely benign. Last evaluated: 2025-04-28. Review status: criteria provided, single submitter. Criteria: LabCorp Variant Classification Summary - May 2015. Collection method: clinical testing. Allele origin: germline.

Myriad Genetics, Inc.
Classification: Likely benign for Familial cancer of breast. Last evaluated: 2025-01-16. Review status: criteria provided, single submitter. Criteria: Myriad Autosomal Dominant, Autosomal Recessive and X-Linked Classification Criteria (2023). Collection method: clinical testing. Allele origin: unknown.
Comment: This variant is considered likely benign. This variant is intronic and is not expected to impact mRNA splicing.

NM_024675.4(PALB2):c.2515-6T>C

Gene: PALB2 (partner and localizer of BRCA2; minus strand). Cytogenetic location: 16p12.2.
Variant type: single nucleotide variant.
Coding change: c.2515-6T>C on transcript NM_024675.4 (MANE Select); 6 bases into the intron before coding-DNA position 2515, T replaced by C.
Molecular consequence: intron variant.
Genome position (GRCh38, 1-based): chr16:23,629,281, A>G on the plus strand (T>C on the coding strand, the complement: PALB2 is on the minus strand). VCF-style: chr16-23629281-A-G. GRCh37 (hg19) VCF-style: chr16-23640602-A-G.
Identifiers: ClinVar variation 799384 (VCV000799384.14), dbSNP rs1597088273, ClinGen allele CA915949180.